The following is an entry in ClinVar:

NM_006164.5(NFE2L2):c.235G>T (p.Glu79Ter)

Gene: NFE2L2 (NFE2 like bZIP transcription factor 2; minus strand). Cytogenetic location: 2q31.2.
Variant type: single nucleotide variant.
Coding change: c.235G>T on transcript NM_006164.5 (MANE Select); coding-DNA position 235, G replaced by T.
Protein change: p.Glu79Ter; replaces glutamic acid 79 with a stop codon.
Molecular consequence: nonsense. On other transcripts: missense variant (1), intron variant (1).
Genome position (GRCh38, 1-based): chr2:177,234,082, C>A on the plus strand (G>T on the coding strand, the complement: NFE2L2 is on the minus strand). VCF-style: chr2-177234082-C-A. GRCh37 (hg19) VCF-style: chr2-178098810-C-A.
Other names: c.187G>T, p.Glu63Ter (NM_001145412.3, NM_001145413.3, NM_001313900.1 and 1 more transcripts); c.235G>T, p.Glu79Ter (NM_001313902.2); c.6G>T, p.Lys2Asn (NM_001313904.1); c.93+142G>T (NM_001313903.2); short protein forms K2N, E63*, E79*.
Identifiers: ClinVar variation 2087348 (VCV002087348.4), dbSNP rs1057519922, ClinGen allele CA349380494.
Genomic context (GRCh38, chr2:177,234,082, plus strand): 5'-ATCCACTGGTTTCTGACTGGATGTGCTGGGCTGGCTGAATTGGGAGAAATTCACCTGTCT[C>A]TTCATCTAGTTGTAACTGAGCGAAAAAGGCTTTCTCTTGCTCCTTTTGGAGTTGTTCTTG-3'

ClinVar aggregate classification (germline): Uncertain significance (1 of 4 stars; one submission).

Submission:

Labcorp Genetics (formerly Invitae), Labcorp
Classification: Uncertain significance. Last evaluated: 2022-01-17. Review status: criteria provided, single submitter. Criteria: Invitae Variant Classification Sherloc (09022015). Collection method: clinical testing. Allele origin: germline.
Comment: This variant is not present in population databases (gnomAD no frequency). This sequence change creates a premature translational stop signal (p.Glu79*) in the NFE2L2 gene. It is expected to result in an absent or disrupted protein product. However, the current clinical and genetic evidence is not sufficient to establish whether loss-of-function variants in NFE2L2 cause disease. In summary, the available evidence is currently insufficient to determine the role of this variant in disease. Therefore, it has been classified as a Variant of Uncertain Significance. This variant has not been reported in the literature in individuals affected with NFE2L2-related conditions.